The following is an entry in ClinVar:

ClinVar aggregate classification (germline): Uncertain significance (1 of 4 stars; one submission).

Submission:

GeneDx
Classification: Uncertain significance. Last evaluated: 2020-01-30. Review status: criteria provided, single submitter. Criteria: GeneDx Variant Classification Process June 2021. Collection method: clinical testing. Allele origin: germline. Affected: yes.
Comment: Not observed in large population cohorts (Lek et al., 2016); In-frame duplication of 2 amino acids in a non-repeat region; Has not been previously published as pathogenic or benign to our knowledge

NM_001372066.1(TFAP2A):c.310_315dup (p.Ser104_Gln105dup)

Gene: TFAP2A (transcription factor AP-2 alpha; minus strand). Cytogenetic location: 6p24.3.
Variant type: Duplication.
Coding change: c.310_315dup on transcript NM_001372066.1 (MANE Select); coding-DNA positions 310 to 315, 6 bases duplicated (AGCCAG; older notation c.310_315dupAGCCAG).
Protein change: p.Ser104_Gln105dup.
Molecular consequence: inframe insertion.
Genome position (GRCh38, 1-based): chr6:10,410,072-10,410,077, CTGGCT duplicated on the plus strand (AGCCAG on the coding strand, the reverse complement: TFAP2A is on the minus strand); duplicating any 6 consecutive bases within chr6:10,410,072-10,410,080 gives the same sequence; the c. name uses the placement nearest the transcript's 3' end. VCF-style (leftmost placement, unchanged base first): chr6-10410071-C-CCTGGCT. GRCh37 (hg19) VCF-style: chr6-10410304-C-CCTGGCT.
Other names: NM_003220.2:c.304_309dup; c.286_291dup, p.Ser96_Gln97dup (NM_001032280.3); c.292_297dup, p.Ser98_Gln99dup (NM_001042425.3).
Identifiers: ClinVar variation 1314932 (VCV001314932.2), dbSNP rs2113203786, ClinGen allele CA2573052555.
Genomic context (GRCh38, chr6:10,410,071, plus strand): 5'-GAGGATCCAGGCCCGACAGCTGGTGAGGCAGCCCCCGGTGCGTGTGCAGGAGCCCAGACT[C>CCTGGCT]CTGGCTCTGCCTCTGGCCGGGCCAGCCTGGGTGCTGCGGCTGCGGCTGGGCGTGCAGGGG-3'